The following is an entry in ClinVar:

ClinVar aggregate classification (germline): Uncertain significance (1 of 4 stars; one submission).

Submission:

Labcorp Genetics (formerly Invitae), Labcorp
Classification: Uncertain significance. Last evaluated: 2022-04-08. Review status: criteria provided, single submitter. Criteria: Invitae Variant Classification Sherloc (09022015). Collection method: clinical testing. Allele origin: germline.
Comment: This sequence change replaces serine, which is neutral and polar, with threonine, which is neutral and polar, at codon 158 of the EFNA4 protein (p.Ser158Thr). In summary, the available evidence is currently insufficient to determine the role of this variant in disease. Therefore, it has been classified as a Variant of Uncertain Significance. Algorithms developed to predict the effect of missense changes on protein structure and function (SIFT, PolyPhen-2, Align-GVGD) all suggest that this variant is likely to be tolerated. This variant has not been reported in the literature in individuals affected with EFNA4-related conditions. This variant is not present in population databases (gnomAD no frequency).

NM_005227.3(EFNA4):c.472T>A (p.Ser158Thr)

Genes: ADAM15-EFNA4 (ADAM15-EFNA4 readthrough; plus strand), EFNA4 (ephrin A4; plus strand), EFNA4-EFNA3 (EFNA4-EFNA3 readthrough; plus strand). Cytogenetic location: 1q21.3.
Variant type: single nucleotide variant.
Coding change: c.472T>A on transcript NM_005227.3 (MANE Select); coding-DNA position 472, T replaced by A.
Protein change: p.Ser158Thr; replaces serine 158 with threonine.
Molecular consequence: missense variant. On other transcripts: intron variant (2).
Genome position (GRCh38, 1-based): chr1:155,068,855, T>A. VCF-style: chr1-155068855-T-A. GRCh37 (hg19) VCF-style: chr1-155041331-T-A.
Other names: c.470-144T>A (NM_182690.3); c.470-164T>A (NM_182689.2); short protein forms S158T.
Identifiers: ClinVar variation 2122848 (VCV002122848.4), dbSNP rs2526465029, ClinGen allele CA342651209.